The following is an entry in ClinVar:

NM_015072.5(TTLL5):c.521G>C (p.Arg174Pro)

Gene: TTLL5 (tubulin tyrosine ligase like 5; plus strand). Cytogenetic location: 14q24.3.
Variant type: single nucleotide variant.
Coding change: c.521G>C on transcript NM_015072.5 (MANE Select); coding-DNA position 521, G replaced by C.
Protein change: p.Arg174Pro; replaces arginine 174 with proline.
Molecular consequence: missense variant.
Genome position (GRCh38, 1-based): chr14:75,699,206, G>C. VCF-style: chr14-75699206-G-C. GRCh37 (hg19) VCF-style: chr14-76165549-G-C.
Other names: short protein forms R174P.
Identifiers: ClinVar variation 1520859 (VCV001520859.8), dbSNP rs141614130, ClinGen allele CA390455556.

ClinVar aggregate classification (germline): Uncertain significance (1 of 4 stars; one submission).

Submission:

Labcorp Genetics (formerly Invitae), Labcorp
Classification: Uncertain significance. Last evaluated: 2024-01-02. Review status: criteria provided, single submitter. Criteria: Invitae Variant Classification Sherloc (09022015). Collection method: clinical testing. Allele origin: germline.
Comment: This sequence change replaces arginine, which is basic and polar, with proline, which is neutral and non-polar, at codon 174 of the TTLL5 protein (p.Arg174Pro). This variant is not present in population databases (gnomAD no frequency). This variant has not been reported in the literature in individuals affected with TTLL5-related conditions. ClinVar contains an entry for this variant (Variation ID: 1520859). Advanced modeling of protein sequence and biophysical properties (such as structural, functional, and spatial information, amino acid conservation, physicochemical variation, residue mobility, and thermodynamic stability) performed at Invitae indicates that this missense variant is not expected to disrupt TTLL5 protein function with a negative predictive value of 80%. In summary, the available evidence is currently insufficient to determine the role of this variant in disease. Therefore, it has been classified as a Variant of Uncertain Significance.